The following is an entry in ClinVar:

NM_000091.5(COL4A3):c.3974G>T (p.Gly1325Val)

Genes: COL4A3 (collagen type IV alpha 3 chain; plus strand), MFF-DT (MFF divergent transcript; minus strand). Cytogenetic location: 2q36.3.
Variant type: single nucleotide variant.
Coding change: c.3974G>T on transcript NM_000091.5 (MANE Select); coding-DNA position 3974, G replaced by T.
Protein change: p.Gly1325Val; replaces glycine 1325 with valine.
Molecular consequence: missense variant.
Genome position (GRCh38, 1-based): chr2:227,303,877, G>T. VCF-style: chr2-227303877-G-T. GRCh37 (hg19) VCF-style: chr2-228168593-G-T.
Other names: short protein forms G1325V.
Identifiers: ClinVar variation 2581480 (VCV002581480.1), dbSNP rs2073394111, ClinGen allele CA350862464.

ClinVar aggregate classification (germline): Uncertain significance (1 of 4 stars; one submission).

Allele frequency attached by ClinVar (database versions not stated): TOPMed below 0.00001.

Submission:

Women's Health and Genetics/Laboratory Corporation of America, LabCorp
Classification: Uncertain significance. Last evaluated: 2023-08-04. Review status: criteria provided, single submitter. Criteria: LabCorp Variant Classification Summary - May 2015. Collection method: clinical testing. Allele origin: germline.
Comment: Variant summary: COL4A3 c.3974G>T (p.Gly1325Val) results in a non-conservative amino acid change located in the Collagen triple helix repeat IPR008160) of the encoded protein sequence. Alterations of glycine residues within the collagen triple-helix are common mechanisms of disease. Five of five in-silico tools predict a damaging effect of the variant on protein function. The variant was absent in 249230 control chromosomes. To our knowledge, no occurrence of c.3974G>T in individuals affected with Alport Syndrome, Autosomal Recessive and no experimental evidence demonstrating its impact on protein function have been reported. No submitters have cited clinical-significance assessments for this variant to ClinVar after 2014. Based on the evidence outlined above, the variant was classified as uncertain significance.